The following is an entry in ClinVar:

NM_000146.4(FTL):c.-46C>A

Gene: FTL (ferritin light chain; plus strand). Cytogenetic location: 19q13.33.
Variant type: single nucleotide variant.
Coding change: c.-46C>A on transcript NM_000146.4 (MANE Select); 46 bases upstream of the start codon, C replaced by A.
Molecular consequence: 5 prime UTR variant.
Genome position (GRCh38, 1-based): chr19:48,965,462, C>A. VCF-style: chr19-48965462-C-A. GRCh37 (hg19) VCF-style: chr19-49468719-C-A.
Identifiers: ClinVar variation 329785 (VCV000329785.12), dbSNP rs768457741, ClinGen allele CA9562393.
Genomic context (GRCh38, chr19:48,965,462, plus strand): 5'-GATTTCCTCTCCGCTTGCAACCTCCGGGACCATCTTCTCGGCCATCTCCTGCTTCTGGGA[C>A]CTGCCAGCACCGTTTTTGTGGTTAGCTCCTTCTTGCCAACCAACCATGAGCTCCCAGATT-3'

ClinVar aggregate classification (germline): Conflicting classifications of pathogenicity. Review status: criteria provided, conflicting classifications (1 of 4 stars). 3 submissions from 3 submitters: Uncertain significance (2); Likely benign (1). Last evaluated 2025-12-17.

Conditions:
FTL-related disorder. Also called: FTL-related condition.
Neuroferritinopathy (NBIA3). Also called: NEURODEGENERATION WITH BRAIN IRON ACCUMULATION 3; BASAL GANGLIA DISEASE, ADULT-ONSET. Identifiers: Orphanet 157846, MedGen C1853578, MONDO:0011638, OMIM 606159.
Hereditary hyperferritinemia with congenital cataracts. Also called: HYPERFERRITINEMIA WITH OR WITHOUT CATARACT; Hereditary hyperferritinemia cataract syndrome; Bonneau-Beaumont syndrome. Identifiers: Orphanet 163, MedGen C1833213, MONDO:0010952, OMIM 600886.

Allele frequency attached by ClinVar (database versions not stated): gnomAD 0.00001 and 0.00002; TOPMed 0.00001; gnomAD exomes 0.00002 and 0.00004; ExAC 0.00003.
gnomAD v4.1: 49 of 1,325,258 alleles (0.0037%); highest among the groups gnomAD compares: Non-Finnish European, 0.0048%; no homozygotes.

Submissions (3):

Labcorp Genetics (formerly Invitae), Labcorp
Classification: Uncertain significance for Neuroferritinopathy; Hereditary hyperferritinemia with congenital cataracts. Last evaluated: 2025-12-17. Review status: criteria provided, single submitter. Criteria: Invitae Variant Classification Sherloc (09022015). Collection method: clinical testing. Allele origin: germline.
Comment: This variant occurs in a non-coding region of the FTL gene. It does not change the encoded amino acid sequence of the FTL protein. This variant is present in population databases (rs768457741, gnomAD 0.005%). This variant has not been reported in the literature in individuals affected with FTL-related conditions. ClinVar contains an entry for this variant (Variation ID: 329785). Experimental studies and prediction algorithms are not available or were not evaluated, and the functional significance of this variant is currently unknown. In summary, the available evidence is currently insufficient to determine the role of this variant in disease. Therefore, it has been classified as a Variant of Uncertain Significance.

PreventionGenetics, part of Exact Sciences
Classification: Likely benign for FTL-related condition. Last evaluated: 2025-08-05. Review status: criteria provided, single submitter. Criteria: ACMG Guidelines, 2015. Collection method: clinical testing. Allele origin: germline.
Comment: This variant is classified as likely benign based on ACMG/AMP sequence variant interpretation guidelines (Richards et al. 2015 PMID: 25741868, with internal and published modifications).

Blueprint Genetics
Classification: Uncertain significance. Last evaluated: 2023-10-24. Review status: criteria provided, single submitter. Criteria: ACMG Guidelines, 2015. Collection method: clinical testing. Allele origin: germline.